The following is an entry in ClinVar:

NM_005159.5(ACTC1):c.1021G>C (p.Val341Leu)

Genes: ACTC1 (actin alpha cardiac muscle 1; minus strand), GJD2-DT (GJD2 divergent transcript; plus strand). Cytogenetic location: 15q14.
Variant type: single nucleotide variant.
Coding change: c.1021G>C on transcript NM_005159.5 (MANE Select); coding-DNA position 1021, G replaced by C.
Protein change: p.Val341Leu; replaces valine 341 with leucine.
Molecular consequence: missense variant.
Genome position (GRCh38, 1-based): chr15:34,790,525, C>G on the plus strand (G>C on the coding strand, the complement: ACTC1 is on the minus strand). VCF-style: chr15-34790525-C-G. GRCh37 (hg19) VCF-style: chr15-35082726-C-G.
Other names: short protein forms V341L.
Identifiers: ClinVar variation 1310366 (VCV001310366.2), dbSNP rs2140429056, ClinGen allele CA391629133.
Genomic context (GRCh38, chr15:34,790,525, plus strand): 5'-TGCTAATCCACATTTGCTGGAAGGTGGACAGAGAGGCCAGGATGGAGCCCCCAATCCAGA[C>G]AGAGTATTTACGCTCAGGGGGAGCAATAATCTGCAGAAAGAAAACAAAAACTTCCAGTGA-3'
Protein context (NP_005150.1, residues 331-351): IIAPPERKYS[Val341Leu]WIGGSILASL

ClinVar aggregate classification (germline): Uncertain significance (1 of 4 stars; one submission).

Submission:

GeneDx
Classification: Uncertain significance. Last evaluated: 2019-11-11. Review status: criteria provided, single submitter. Criteria: GeneDx Variant Classification Process June 2021. Collection method: clinical testing. Allele origin: germline. Affected: yes.
Comment: Not observed in large population cohorts (Lek et al., 2016); In silico analysis, which includes protein predictors and evolutionary conservation, supports that this variant does not alter protein structure/function; Has not been previously published as pathogenic or benign to our knowledge